The following is an entry in ClinVar:

ClinVar aggregate classification (germline): Uncertain significance (1 of 4 stars; one submission).

Allele frequency attached by ClinVar (database versions not stated): ExAC 0.00001.
gnomAD v4.1: 1 of 1,614,126 alleles (0.000062%); highest among the groups gnomAD compares: South Asian, 0.0011%; no homozygotes.

Submission:

Labcorp Genetics (formerly Invitae), Labcorp
Classification: Uncertain significance. Last evaluated: 2021-12-27. Review status: criteria provided, single submitter. Criteria: Invitae Variant Classification Sherloc (09022015). Collection method: clinical testing. Allele origin: germline.
Comment: This sequence change replaces glycine, which is neutral and non-polar, with glutamic acid, which is acidic and polar, at codon 74 of the MCM3AP protein (p.Gly74Glu). This variant is present in population databases (rs751753143, gnomAD 0.003%). This variant has not been reported in the literature in individuals affected with MCM3AP-related conditions. Algorithms developed to predict the effect of missense changes on protein structure and function are either unavailable or do not agree on the potential impact of this missense change (SIFT: "Deleterious"; PolyPhen-2: "Possibly Damaging"; Align-GVGD: "Class C0"). In summary, the available evidence is currently insufficient to determine the role of this variant in disease. Therefore, it has been classified as a Variant of Uncertain Significance.

NM_003906.5(MCM3AP):c.221G>A (p.Gly74Glu)

Gene: MCM3AP (minichromosome maintenance complex component 3 associated protein; minus strand). Cytogenetic location: 21q22.3.
Variant type: single nucleotide variant.
Coding change: c.221G>A on transcript NM_003906.5 (MANE Select); coding-DNA position 221, G replaced by A.
Protein change: p.Gly74Glu; replaces glycine 74 with glutamic acid.
Molecular consequence: missense variant.
Genome position (GRCh38, 1-based): chr21:46,285,066, C>T on the plus strand (G>A on the coding strand, the complement: MCM3AP is on the minus strand). VCF-style: chr21-46285066-C-T. GRCh37 (hg19) VCF-style: chr21-47704980-C-T.
Other names: short protein forms G74E.
Identifiers: ClinVar variation 2046059 (VCV002046059.4), dbSNP rs751753143, ClinGen allele CA10077391.